The following is an entry in ClinVar:

NC_000004.11:g.(?_5630276)_(5633769_?)del

Gene: EVC2 (EvC ciliary complex subunit 2; minus strand). Cytogenetic location: 4p16.2.
Variant type: Deletion.
Identifiers: ClinVar variation 1457081 (VCV001457081.7).

ClinVar aggregate classification (germline): Pathogenic (1 of 4 stars; one submission).

Conditions:
Ellis-van Creveld syndrome (EVC). Also called: EVC-Related Ellis-van Creveld Syndrome; EVC2-Related Ellis-van Creveld Syndrome; MESOECTODERMAL DYSPLASIA; Chondroectodermal dysplasia. Identifiers: Orphanet 289, MedGen C0013903, MONDO:0009162, OMIM 225500.
Curry-Hall syndrome (WAD). Also called: WEYERS ACRODENTAL DYSOSTOSIS. Identifiers: Orphanet 952, MedGen C0457013, MONDO:0008673, OMIM 193530.

Submission:

Labcorp Genetics (formerly Invitae), Labcorp
Classification: Pathogenic for Curry-Hall syndrome; Ellis-van Creveld syndrome. Last evaluated: 2021-03-10. Review status: criteria provided, single submitter. Criteria: Invitae Variant Classification Sherloc (09022015). Collection method: clinical testing. Allele origin: germline.
Comment: For these reasons, this variant has been classified as Pathogenic. This variant has not been reported in the literature in individuals with EVC2-related conditions. This variant is a gross deletion of the genomic region encompassing exon(s) 11-12 of the EVC2 gene. This deletion is out-of-frame, and is expected to create a premature translational stop signal and result in an absent or disrupted protein product. Loss-of-function variants in EVC2 are known to be pathogenic (PMID: 17024374, 19810119, 19876929).

Literature cited by the submitters: PubMed 17024374; PubMed 19810119; PubMed 19876929.